The following is an entry in ClinVar:

NM_005360.5(MAF):c.959A>G (p.Lys320Arg)

Gene: MAF (MAF bZIP transcription factor; minus strand). Cytogenetic location: 16q23.2.
Variant type: single nucleotide variant.
Coding change: c.959A>G on transcript NM_005360.5 (MANE Select); coding-DNA position 959, A replaced by G.
Protein change: p.Lys320Arg; replaces lysine 320 with arginine.
Molecular consequence: missense variant.
Genome position (GRCh38, 1-based): chr16:79,598,944, T>C on the plus strand (A>G on the coding strand, the complement: MAF is on the minus strand). VCF-style: chr16-79598944-T-C. GRCh37 (hg19) VCF-style: chr16-79632841-T-C.
Other names: c.959A>G, p.Lys320Arg (NM_001031804.3); short protein forms K320R.
Identifiers: ClinVar variation 2444704 (VCV002444704.1), dbSNP rs2507654121, ClinGen allele CA396534859.

ClinVar aggregate classification (germline): Uncertain significance (1 of 4 stars; one submission).

Submission:

GeneDx
Classification: Uncertain significance. Last evaluated: 2022-09-14. Review status: criteria provided, single submitter. Criteria: GeneDx Variant Classification Process June 2021. Collection method: clinical testing. Allele origin: germline. Affected: yes.
Comment: Not observed at significant frequency in large population cohorts (gnomAD); In silico analysis supports that this missense variant has a deleterious effect on protein structure/function; Has not been previously published as pathogenic or benign to our knowledge